The following is an entry in ClinVar:

ClinVar aggregate classification (germline): Uncertain significance (1 of 4 stars; one submission).

Conditions:
Inborn genetic diseases. Identifiers: MedGen C0950123, MeSH D030342.

Submission:

Ambry Genetics
Classification: Uncertain significance for Inborn genetic diseases. Last evaluated: 2023-10-12. Review status: criteria provided, single submitter. Criteria: Ambry Variant Classification Scheme 2023. Collection method: clinical testing. Allele origin: germline.
Comment: The p.S89G variant (also known as c.265A>G), located in coding exon 3 of the ATR gene, results from an A to G substitution at nucleotide position 265. The serine at codon 89 is replaced by glycine, an amino acid with similar properties. This amino acid position is conserved. In addition, this alteration is predicted to be tolerated by in silico analysis. Since supporting evidence is limited at this time, the clinical significance of this alteration remains unclear.

NM_001184.4(ATR):c.265A>G (p.Ser89Gly)

Gene: ATR (ATR checkpoint kinase; minus strand). Cytogenetic location: 3q23.
Variant type: single nucleotide variant.
Coding change: c.265A>G on transcript NM_001184.4 (MANE Select); coding-DNA position 265, A replaced by G.
Protein change: p.Ser89Gly; replaces serine 89 with glycine.
Molecular consequence: missense variant.
Genome position (GRCh38, 1-based): chr3:142,566,148, T>C on the plus strand (A>G on the coding strand, the complement: ATR is on the minus strand). VCF-style: chr3-142566148-T-C. GRCh37 (hg19) VCF-style: chr3-142284990-T-C.
Other names: c.265A>G, p.Ser89Gly (NM_001354579.2); short protein forms S89G.
Identifiers: ClinVar variation 3221093 (VCV003221093.1), dbSNP rs1577709768, ClinGen allele CA354828344.